The following is an entry in ClinVar:

NM_001003722.2(GLE1):c.1997G>T (p.Gly666Val)

Genes: GLE1 (GLE1 RNA export mediator; plus strand), LOC101929270 (uncharacterized LOC101929270; minus strand). Cytogenetic location: 9q34.11.
Variant type: single nucleotide variant.
Coding change: c.1997G>T on transcript NM_001003722.2 (MANE Select); coding-DNA position 1997, G replaced by T.
Protein change: p.Gly666Val; replaces glycine 666 with valine.
Molecular consequence: missense variant.
Genome position (GRCh38, 1-based): chr9:128,540,307, G>T. VCF-style: chr9-128540307-G-T. GRCh37 (hg19) VCF-style: chr9-131302586-G-T.
Other names: short protein forms G666V.
Identifiers: ClinVar variation 419083 (VCV000419083.3), dbSNP rs1064793630, ClinGen allele CA16618757.

ClinVar aggregate classification (germline): Uncertain significance (1 of 4 stars; one submission).

Allele frequency attached by ClinVar (database versions not stated): TOPMed below 0.00001; gnomAD 0.00001.
gnomAD v4.1: 3 of 1,610,380 alleles (0.00019%); highest among the groups gnomAD compares: Non-Finnish European, 0.00025%; no homozygotes.

Submission:

GeneDx
Classification: Uncertain significance. Last evaluated: 2020-11-17. Review status: criteria provided, single submitter. Criteria: GeneDx Variant Classification Process June 2021. Collection method: clinical testing. Allele origin: germline. Affected: yes.
Comment: Not observed in large population cohorts (Lek et al., 2016); In silico analysis supports that this missense variant has a deleterious effect on protein structure/function; This variant is associated with the following publications: (PMID: 32537934, 28729373)